The following is an entry in ClinVar:

ClinVar aggregate classification (germline): Likely benign (1 of 4 stars; one submission).

gnomAD v4.1: 16 of 1,550,470 alleles (0.001%); highest among the groups gnomAD compares: Non-Finnish European, 0.0013%; no homozygotes.

Submission:

CeGaT Center for Human Genetics Tuebingen
Classification: Likely benign. Last evaluated: 2025-12-01. Review status: criteria provided, single submitter. Criteria: CeGaT Center For Human Genetics Tuebingen Variant Classification Criteria Version 2. Collection method: clinical testing. Allele origin: germline. Affected: yes. Observed: 1 variant allele.
Comment: ATP2B2: BP4

NM_001001331.4(ATP2B2):c.3420+2002A>T

Gene: ATP2B2 (ATPase plasma membrane Ca2+ transporting 2; minus strand). Cytogenetic location: 3p25.3.
Variant type: single nucleotide variant.
Coding change: c.3420+2002A>T on transcript NM_001001331.4 (MANE Select); 2002 bases into the intron after coding-DNA position 3420, A replaced by T.
Molecular consequence: intron variant. On other transcripts: missense variant (2).
Genome position (GRCh38, 1-based): chr3:10,336,174, T>A on the plus strand (A>T on the coding strand, the complement: ATP2B2 is on the minus strand). VCF-style: chr3-10336174-T-A. GRCh37 (hg19) VCF-style: chr3-10377858-T-A.
Other names: c.3412A>T, p.Asn1138Tyr (NM_001330611.3, NM_001363862.1); c.3285+2002A>T (NM_001438036.1, NM_001353564.1, NM_001683.5); c.3327+2002A>T (NM_001438646.1); short protein forms N1138Y.
Identifiers: ClinVar variation 4681708 (VCV004681708.5).
Genomic context (GRCh38, chr3:10,336,174, plus strand): 5'-AGGAGTCACACTCACGCCCGGCTGCAGCAGGAGGAAGGCTGGTCGGAGAGGAAAGAGCAT[T>A]GGACAACGACACGCGACTAGGGCTAGAGAGATTGGCTACATCCTGGCTCTGGCTGGTGAC-3'